The following is an entry in ClinVar:

NM_015103.3(PLXND1):c.4994-4A>G

Gene: PLXND1 (plexin D1; minus strand). Cytogenetic location: 3q22.1.
Variant type: single nucleotide variant.
Coding change: c.4994-4A>G on transcript NM_015103.3 (MANE Select); 4 bases into the intron before coding-DNA position 4994, A replaced by G.
Molecular consequence: intron variant.
Genome position (GRCh38, 1-based): chr3:129,560,727, T>C on the plus strand (A>G on the coding strand, the complement: PLXND1 is on the minus strand). VCF-style: chr3-129560727-T-C. GRCh37 (hg19) VCF-style: chr3-129279570-T-C.
Identifiers: ClinVar variation 3060610 (VCV003060610.2), dbSNP rs2170774, ClinGen allele CA2608019.

ClinVar aggregate classification (germline): Benign (0 of 4 stars; one submission).

Conditions:
PLXND1-related disorder. Also called: PLXND1-related condition.

Allele frequency attached by ClinVar (database versions not stated): gnomAD exomes 0.14086; ESP Exome Variant Server 0.18353; gnomAD 0.18821; TOPMed 0.20041; 1000 Genomes Project 0.23363; 1000 Genomes Project 30x 0.23579.
gnomAD v4.1: 229,132 of 1,571,764 alleles (15%); highest among the groups gnomAD compares: African/African-American, 29%; 19,329 homozygotes.

Submission:

PreventionGenetics, part of Exact Sciences
Classification: Benign for PLXND1-related condition. Last evaluated: 2019-06-06. Review status: no assertion criteria provided. Collection method: clinical testing. Allele origin: germline.
Comment: This variant is classified as benign based on ACMG/AMP sequence variant interpretation guidelines (Richards et al. 2015 PMID: 25741868, with internal and published modifications).